The following is an entry in ClinVar:

NM_182961.4(SYNE1):c.14318T>C (p.Leu4773Ser)

Gene: SYNE1 (spectrin repeat containing nuclear envelope protein 1; minus strand). Cytogenetic location: 6q25.2.
Variant type: single nucleotide variant.
Coding change: c.14318T>C on transcript NM_182961.4 (MANE Select); coding-DNA position 14318, T replaced by C.
Protein change: p.Leu4773Ser; replaces leucine 4773 with serine.
Molecular consequence: missense variant.
Genome position (GRCh38, 1-based): chr6:152,330,367, A>G on the plus strand (T>C on the coding strand, the complement: SYNE1 is on the minus strand). VCF-style: chr6-152330367-A-G. GRCh37 (hg19) VCF-style: chr6-152651502-A-G.
Other names: c.14105T>C, p.Leu4702Ser (NM_033071.5); short protein forms L4702S, L4773S.
Identifiers: ClinVar variation 2140112 (VCV002140112.4), dbSNP rs961974166, ClinGen allele CA150176292.

ClinVar aggregate classification (germline): Uncertain significance (1 of 4 stars; one submission).

Conditions:
Autosomal recessive ataxia, Beauce type. Also called: SYNE1-Related Autosomal Recessive Cerebellar Ataxia; Spinocerebellar ataxia, autosomal recessive 8; ATAXIA, RECESSIVE, OF BEAUCE; SYNE1 Deficiency. Identifiers: Orphanet 88644, MedGen C1853116, MONDO:0012549, OMIM 610743.
Emery-Dreifuss muscular dystrophy 4, autosomal dominant (EDMD4). Also called: EMERY-DREIFUSS MUSCULAR DYSTROPHY 4 WITH VARIABLE FEATURES. Identifiers: Orphanet 261, MedGen C2751807, MONDO:0013071, OMIM 612998.

Allele frequency attached by ClinVar (database versions not stated): gnomAD exomes below 0.00001.
gnomAD v4.1: 2 of 1,614,090 alleles (0.00012%); highest among the groups gnomAD compares: East Asian, 0.0022%; no homozygotes.

Submission:

Labcorp Genetics (formerly Invitae), Labcorp
Classification: Uncertain significance for Emery-Dreifuss muscular dystrophy 4, autosomal dominant; Autosomal recessive ataxia, Beauce type. Last evaluated: 2024-10-15. Review status: criteria provided, single submitter. Criteria: Invitae Variant Classification Sherloc (09022015). Collection method: clinical testing. Allele origin: germline.
Comment: This sequence change replaces leucine, which is neutral and non-polar, with serine, which is neutral and polar, at codon 4702 of the SYNE1 protein (p.Leu4702Ser). This variant is present in population databases (no rsID available, gnomAD 0.006%). This variant has not been reported in the literature in individuals affected with SYNE1-related conditions. ClinVar contains an entry for this variant (Variation ID: 2140112). An algorithm developed to predict the effect of missense changes on protein structure and function (PolyPhen-2) suggests that this variant is likely to be disruptive. In summary, the available evidence is currently insufficient to determine the role of this variant in disease. Therefore, it has been classified as a Variant of Uncertain Significance.